The following is an entry in ClinVar:

NM_001365276.2(TNXB):c.12108C>T (p.Asn4036=)

Genes: TNXB (tenascin XB; minus strand), LOC106780803 (tenascin XB recombination region; plus strand). Cytogenetic location: 6p21.33.
Variant type: single nucleotide variant.
Coding change: c.12108C>T on transcript NM_001365276.2 (MANE Select); coding-DNA position 12108, C replaced by T.
Protein change: p.Asn4036=; no amino-acid change (asparagine 4036 retained).
Molecular consequence: synonymous variant.
Genome position (GRCh38, 1-based): chr6:32,042,557, G>A on the plus strand (C>T on the coding strand, the complement: TNXB is on the minus strand). VCF-style: chr6-32042557-G-A. GRCh37 (hg19) VCF-style: chr6-32010334-G-A.
Other names: p.Asn4034=; c.12849C>T, p.Asn4283= (NM_001428335.1); c.12102C>T, p.Asn4034= (NM_019105.8); c.1395C>T, p.Asn465= (NM_032470.4).
Identifiers: ClinVar variation 4684931 (VCV004684931.1).

ClinVar aggregate classification (germline): Likely benign (1 of 4 stars; one submission).

gnomAD v4.1: 11 of 1,608,094 alleles (0.00068%); highest among the groups gnomAD compares: East Asian, 0.0023%; no homozygotes.

Submission:

Mayo Clinic Laboratories, Mayo Clinic
Classification: Likely benign. Last evaluated: 2025-05-22. Review status: criteria provided, single submitter. Criteria: ACMG Guidelines, 2015. Collection method: clinical testing. Allele origin: germline. Observed: 1 variant allele.
Comment: BP4, BP7